The following is an entry in ClinVar:

ClinVar aggregate classification (germline): Uncertain significance (1 of 4 stars; one submission).

gnomAD v4.1: 1 of 1,614,196 alleles (0.000062%); no homozygotes.

Submission:

GeneDx
Classification: Uncertain significance. Last evaluated: 2026-04-25. Review status: criteria provided, single submitter. Criteria: GeneDx Variant Classification Process June 2021. Collection method: clinical testing. Allele origin: germline.
Comment: Not observed at significant frequency in large population cohorts (gnomAD); In silico analysis suggests that this missense variant does not alter protein structure/function; Has not been previously published as pathogenic or benign to our knowledge; In silico analysis is inconclusive as to whether the variant alters gene splicing. In the absence of RNA/functional studies, the actual effect of this sequence change is unknown.

NM_015215.4(CAMTA1):c.4394C>G (p.Thr1465Ser)

Gene: CAMTA1 (calmodulin binding transcription activator 1; plus strand). Cytogenetic location: 1p36.23.
Variant type: single nucleotide variant.
Coding change: c.4394C>G on transcript NM_015215.4 (MANE Select); coding-DNA position 4394, C replaced by G.
Protein change: p.Thr1465Ser; replaces threonine 1465 with serine.
Molecular consequence: missense variant.
Genome position (GRCh38, 1-based): chr1:7,745,868, C>G. VCF-style: chr1-7745868-C-G. GRCh37 (hg19) VCF-style: chr1-7805928-C-G.
Other names: c.1466C>G, p.Thr489Ser (NM_001349617.1, NM_001349618.2, NM_001349614.1 and 2 more transcripts); c.1127C>G, p.Thr376Ser (NM_001349619.2, NM_001349620.1, NM_001349621.1 and 5 more transcripts); c.4055C>G, p.Thr1352Ser (NM_001410737.1, NM_001349609.2, NM_001349610.2); c.3983C>G, p.Thr1328Ser (NM_001410738.1); c.4304C>G, p.Thr1435Ser (NM_001349608.2); c.3965C>G, p.Thr1322Ser (NM_001349612.2); c.1523C>G, p.Thr508Ser (NM_001349613.1); short protein forms T1322S, T1328S, T1352S, T1435S, T1465S, T376S, T489S, T508S.
Identifiers: ClinVar variation 5037595 (VCV005037595.1).